The following is an entry in ClinVar:

ClinVar aggregate classification (germline): Uncertain significance. Review status: reviewed by expert panel (3 of 4 stars). 2 submissions from 2 submitters: Uncertain significance (1). 1 of the submissions does not count toward it. Last evaluated 2024-04-01.

Conditions:
Severe combined immunodeficiency due to DCLRE1C deficiency (RS-SCID). Also called: SCID, AUTOSOMAL RECESSIVE, T CELL-NEGATIVE, B CELL-NEGATIVE, NK CELL-POSITIVE, WITH SENSITIVITY TO IONIZING RADIATION. Identifiers: Orphanet 275, MedGen C1865371, MONDO:0011225, OMIM 602450.

Submissions (2):

ClinGen Severe Combined Immunodeficiency Variant Curation Expert Panel, ClinGen
Classification: Uncertain significance for Severe combined immunodeficiency due to DCLRE1C deficiency. Last evaluated: 2024-04-01. Review status: reviewed by expert panel. Criteria: ClinGen SCID ACMG Specifications DCLRE1C V1.0.0. Collection method: curation. Allele origin: germline. Inheritance: Autosomal recessive inheritance.
Comment: The c.24G>A(NM_001033855.3) variant in DCLRE1C is a missense variant predicted to cause the substitution of Methionine by Isoleucine at amino acid 8 (p.Met8Ile). This variant is absent from gnomAD v4 (PM2_Supporting). To our knowledge, this variant has not been reported in the literature in individuals affected with DCLRE1c-related conditions or in functional studies. In summary, this variant is classified as a variant of uncertain significance for autosomal recessive severe combined immunodeficiency due to DCLRE1C deficiency, based on ACMG/AMP criteria applied, as specified by the ClinGen SCID VCEP (specification version 1.0): PM2_Supporting.

Labcorp Genetics (formerly Invitae), Labcorp
Classification: Uncertain significance for Athabaskan severe combined immunodeficiency. Last evaluated: 2022-08-15. Review status: criteria provided, single submitter. Criteria: Invitae Variant Classification Sherloc (09022015). Collection method: clinical testing. Allele origin: germline. Not counted in ClinVar's aggregate classification.
Comment: In summary, the available evidence is currently insufficient to determine the role of this variant in disease. Therefore, it has been classified as a Variant of Uncertain Significance. Algorithms developed to predict the effect of missense changes on protein structure and function (SIFT, PolyPhen-2, Align-GVGD) all suggest that this variant is likely to be tolerated. This variant has not been reported in the literature in individuals affected with DCLRE1C-related conditions. This variant is not present in population databases (gnomAD no frequency). This sequence change replaces methionine, which is neutral and non-polar, with isoleucine, which is neutral and non-polar, at codon 8 of the DCLRE1C protein (p.Met8Ile).

NM_001033855.3(DCLRE1C):c.24G>A (p.Met8Ile)

Gene: DCLRE1C (DNA cross-link repair 1C; minus strand). Cytogenetic location: 10p13.
Variant type: single nucleotide variant.
Coding change: c.24G>A on transcript NM_001033855.3 (MANE Select); coding-DNA position 24, G replaced by A.
Protein change: p.Met8Ile; replaces methionine 8 with isoleucine.
Molecular consequence: missense variant. On other transcripts: 5 prime UTR variant (9), non-coding transcript variant (4).
Genome position (GRCh38, 1-based): chr10:14,953,987, C>T on the plus strand (G>A on the coding strand, the complement: DCLRE1C is on the minus strand). VCF-style: chr10-14953987-C-T. GRCh37 (hg19) VCF-style: chr10-14995986-C-T.
Other names: NM_001033855.3(DCLRE1C):c.24G>A; p.Met8Ile; c.-422G>A (NM_001033857.3, NM_001350967.2); c.-744G>A (NM_001033858.3); c.-181G>A (NM_001289076.2); c.-468G>A (NM_001289077.2); c.-214G>A (NM_001289078.2, NM_001350966.2); c.-790G>A (NM_001289079.2); and 2 more; short protein forms M8I.
Identifiers: ClinVar variation 1936229 (VCV001936229.3), dbSNP rs2492513237, ClinGen allele CA376066117.